The following is an entry in ClinVar:

NM_000135.4(FANCA):c.2549C>A (p.Ser850Tyr)

Gene: FANCA (FA complementation group A; minus strand). Cytogenetic location: 16q24.3.
Variant type: single nucleotide variant.
Coding change: c.2549C>A on transcript NM_000135.4 (MANE Select); coding-DNA position 2549, C replaced by A.
Protein change: p.Ser850Tyr; replaces serine 850 with tyrosine.
Molecular consequence: missense variant.
Genome position (GRCh38, 1-based): chr16:89,767,193, G>T on the plus strand (C>A on the coding strand, the complement: FANCA is on the minus strand). VCF-style: chr16-89767193-G-T. GRCh37 (hg19) VCF-style: chr16-89833601-G-T.
Other names: c.2549C>A, p.Ser850Tyr (NM_001286167.3); short protein forms S850Y.
Identifiers: ClinVar variation 2197410 (VCV002197410.2), dbSNP rs77805547, ClinGen allele CA8251677.
Genomic context (GRCh38, chr16:89,767,193, plus strand): 5'-GAACCTACCTTTTTAATAAGGCCTGGAGATAAGCAGCTGCACAAAGTATCTCGTGACTGG[G>T]AAGAAAACTTGCAGAGAGAGTAAGAAATTGCTGCTGTACAAAATCTGAAAACAGAAATTA-3'
Protein context (NP_000126.2, residues 840-860): AISYSLCKFS[Ser850Tyr]QSRDTLCSCL

ClinVar aggregate classification (germline): Uncertain significance. Review status: criteria provided, multiple submitters, no conflicts (2 of 4 stars). 2 submissions from 2 submitters: Uncertain significance (2). Last evaluated 2024-11-21.

Conditions:
Fanconi anemia (FA). Also called: Fanconi's anemia. Identifiers: Orphanet 84, MedGen C0015625, MeSH D005199, MONDO:0019391.
Inborn genetic diseases. Identifiers: MedGen C0950123, MeSH D030342.

Allele frequency attached by ClinVar (database versions not stated): gnomAD exomes below 0.00001; ExAC 0.00002; gnomAD 0.00003; 1000 Genomes Project 0.00020; 1000 Genomes Project 30x 0.00031.
gnomAD v4.1: 8 of 1,613,996 alleles (0.0005%); highest among the groups gnomAD compares: African/African-American, 0.011%; no homozygotes.

Submissions (2):

Ambry Genetics
Classification: Uncertain significance for Inborn genetic diseases. Last evaluated: 2024-11-21. Review status: criteria provided, single submitter. Criteria: Ambry Variant Classification Scheme 2023. Collection method: clinical testing. Allele origin: germline.
Comment: The p.S850Y variant (also known as c.2549C>A), located in coding exon 27 of the FANCA gene, results from a C to A substitution at nucleotide position 2549. The serine at codon 850 is replaced by tyrosine, an amino acid with dissimilar properties. This amino acid position is conserved. In addition, the in silico prediction for this alteration is inconclusive. Based on the available evidence, the clinical significance of this variant remains unclear.

Labcorp Genetics (formerly Invitae), Labcorp
Classification: Uncertain significance for Fanconi anemia. Last evaluated: 2022-05-16. Review status: criteria provided, single submitter. Criteria: Invitae Variant Classification Sherloc (09022015). Collection method: clinical testing. Allele origin: germline.
Comment: This sequence change replaces serine, which is neutral and polar, with tyrosine, which is neutral and polar, at codon 850 of the FANCA protein (p.Ser850Tyr). This variant is present in population databases (rs77805547, gnomAD 0.02%). This variant has not been reported in the literature in individuals affected with FANCA-related conditions. Algorithms developed to predict the effect of missense changes on protein structure and function are either unavailable or do not agree on the potential impact of this missense change (SIFT: "Deleterious"; PolyPhen-2: "Possibly Damaging"; Align-GVGD: "Class C0"). In summary, the available evidence is currently insufficient to determine the role of this variant in disease. Therefore, it has been classified as a Variant of Uncertain Significance.